The following is an entry in ClinVar:

NM_007186.6(CEP250):c.3383T>C (p.Leu1128Pro)

Gene: CEP250 (centrosomal protein 250; plus strand). Cytogenetic location: 20q11.22.
Variant type: single nucleotide variant.
Coding change: c.3383T>C on transcript NM_007186.6 (MANE Select); coding-DNA position 3383, T replaced by C.
Protein change: p.Leu1128Pro; replaces leucine 1128 with proline.
Molecular consequence: missense variant.
Genome position (GRCh38, 1-based): chr20:35,497,795, T>C. VCF-style: chr20-35497795-T-C. GRCh37 (hg19) VCF-style: chr20-34085624-T-C.
Other names: c.1487T>C, p.Leu496Pro (NM_001318219.1); short protein forms L1128P, L496P.
Identifiers: ClinVar variation 963665 (VCV000963665.7), dbSNP rs750056511, ClinGen allele CA9833459.

ClinVar aggregate classification (germline): Uncertain significance. Review status: criteria provided, multiple submitters, no conflicts (2 of 4 stars). 2 submissions from 2 submitters: Uncertain significance (2). Last evaluated 2024-10-29.

Allele frequency attached by ClinVar (database versions not stated): ExAC below 0.00001; gnomAD exomes 0.00002 and 0.00003; gnomAD 0.00025 and 0.00029; TOPMed 0.00029.
gnomAD v4.1: 71 of 1,560,844 alleles (0.0045%); highest among the groups gnomAD compares: African/African-American, 0.087%; no homozygotes.

Submissions (2):

Labcorp Genetics (formerly Invitae), Labcorp
Classification: Uncertain significance. Last evaluated: 2024-10-29. Review status: criteria provided, single submitter. Criteria: Invitae Variant Classification Sherloc (09022015). Collection method: clinical testing. Allele origin: germline.
Comment: This sequence change replaces leucine, which is neutral and non-polar, with proline, which is neutral and non-polar, at codon 1128 of the CEP250 protein (p.Leu1128Pro). This variant is present in population databases (rs750056511, gnomAD 0.08%). This variant has not been reported in the literature in individuals affected with CEP250-related conditions. ClinVar contains an entry for this variant (Variation ID: 963665). An algorithm developed to predict the effect of missense changes on protein structure and function (PolyPhen-2) suggests that this variant is likely to be disruptive. In summary, the available evidence is currently insufficient to determine the role of this variant in disease. Therefore, it has been classified as a Variant of Uncertain Significance.

Blueprint Genetics
Classification: Uncertain significance. Last evaluated: 2022-01-27. Review status: criteria provided, single submitter. Criteria: ACMG Guidelines, 2015. Collection method: clinical testing. Allele origin: germline.